The following is an entry in ClinVar:

NM_000632.4(ITGAM):c.805G>A (p.Glu269Lys)

Genes: ITGAM (integrin subunit alpha M; plus strand), LOC126862332 (BRD4-independent group 4 enhancer GRCh37_chr16:31284654-31285853; plus strand). Cytogenetic location: 16p11.2.
Variant type: single nucleotide variant.
Coding change: c.805G>A on transcript NM_000632.4 (MANE Select); coding-DNA position 805, G replaced by A.
Protein change: p.Glu269Lys; replaces glutamic acid 269 with lysine.
Molecular consequence: missense variant.
Genome position (GRCh38, 1-based): chr16:31,273,465, G>A. VCF-style: chr16-31273465-G-A. GRCh37 (hg19) VCF-style: chr16-31284786-G-A.
Other names: c.805G>A, p.Glu269Lys (NM_001145808.2); short protein forms E269K.
Identifiers: ClinVar variation 1996800 (VCV001996800.4), dbSNP rs927472766, ClinGen allele CA280605009.

ClinVar aggregate classification (germline): Uncertain significance (1 of 4 stars; one submission).

Allele frequency attached by ClinVar (database versions not stated): gnomAD 0.00001; TOPMed 0.00002.
gnomAD v4.1: 21 of 1,613,766 alleles (0.0013%); highest among the groups gnomAD compares: East Asian, 0.0067%; no homozygotes.

Submission:

Labcorp Genetics (formerly Invitae), Labcorp
Classification: Uncertain significance. Last evaluated: 2024-11-30. Review status: criteria provided, single submitter. Criteria: Invitae Variant Classification Sherloc (09022015). Collection method: clinical testing. Allele origin: germline.
Comment: This sequence change replaces glutamic acid, which is acidic and polar, with lysine, which is basic and polar, at codon 269 of the ITGAM protein (p.Glu269Lys). This variant is present in population databases (no rsID available, gnomAD 0.003%). This variant has not been reported in the literature in individuals affected with ITGAM-related conditions. ClinVar contains an entry for this variant (Variation ID: 1996800). An algorithm developed to predict the effect of missense changes on protein structure and function outputs the following: PolyPhen-2: "Benign". The lysine amino acid residue is found in multiple mammalian species, which suggests that this missense change does not adversely affect protein function. In summary, the available evidence is currently insufficient to determine the role of this variant in disease. Therefore, it has been classified as a Variant of Uncertain Significance.